The following is an entry in ClinVar:

ClinVar aggregate classification (germline): Likely benign. Review status: criteria provided, multiple submitters, no conflicts (2 of 4 stars). 2 submissions from 2 submitters: Likely benign (2). Last evaluated 2024-10-24.

Allele frequency attached by ClinVar (database versions not stated): TOPMed 0.00003; gnomAD 0.00004; ExAC 0.00005.
gnomAD v4.1: 40 of 1,210,079 alleles (0.0033%); highest among the groups gnomAD compares: Admixed American, 0.0044%; no homozygotes.

Submissions (2):

Blueprint Genetics
Classification: Likely benign. Last evaluated: 2024-10-24. Review status: criteria provided, single submitter. Criteria: ACMG Guidelines, 2015. Collection method: clinical testing. Allele origin: germline.

CeGaT Center for Human Genetics Tuebingen
Classification: Likely benign. Last evaluated: 2023-02-01. Review status: criteria provided, single submitter. Criteria: CeGaT Center For Human Genetics Tuebingen Variant Classification Criteria Version 2. Collection method: clinical testing. Allele origin: germline. Affected: yes. Observed: 1 variant allele.
Comment: BCOR: BP4, BP7, BS2

NM_001123385.2(BCOR):c.777G>A (p.Ser259=)

Genes: BCOR (BCL6 corepressor; minus strand), LOC126863239 (MED14-independent group 3 enhancer GRCh37_chrX:39932994-39934193; plus strand). Cytogenetic location: Xp11.4.
Variant type: single nucleotide variant.
Coding change: c.777G>A on transcript NM_001123385.2 (MANE Select); coding-DNA position 777, G replaced by A.
Protein change: p.Ser259=; no amino-acid change (serine 259 retained).
Molecular consequence: synonymous variant.
Genome position (GRCh38, 1-based): chrX:40,074,569, C>T on the plus strand (G>A on the coding strand, the complement: BCOR is on the minus strand). VCF-style: chrX-40074569-C-T. GRCh37 (hg19) VCF-style: chrX-39933822-C-T.
Other names: c.777G>A, p.Ser259= (NM_001123383.2, NM_001123384.2, NM_017745.6).
Identifiers: ClinVar variation 2660317 (VCV002660317.25), dbSNP rs576246224, ClinGen allele CA10387012.
Genomic context (GRCh38, chrX:40,074,569, plus strand): 5'-GAGAGGCGGGATGGCTGGGGAGGCCGAAGGTGTCGAGAGCCTCATGGGTGATGCCAAGGA[C>T]GATGGGATGTGGGGACCGACGTAGTGAGGTGGCGGCAGGTAGAGAAAGCGCTCCCCATTG-3'
Protein context (NP_001116857.1, residues 249-269): PPHYVGPHIP[Ser259=]SLASPMRLST